The following is an entry in ClinVar:

NM_005271.5(GLUD1):c.1070C>T (p.Ser357Phe)

Gene: GLUD1 (glutamate dehydrogenase 1; minus strand). Cytogenetic location: 10q23.2.
Variant type: single nucleotide variant.
Coding change: c.1070C>T on transcript NM_005271.5 (MANE Select); coding-DNA position 1070, C replaced by T.
Protein change: p.Ser357Phe; replaces serine 357 with phenylalanine.
Molecular consequence: missense variant.
Genome position (GRCh38, 1-based): chr10:87,060,815, G>A on the plus strand (C>T on the coding strand, the complement: GLUD1 is on the minus strand). VCF-style: chr10-87060815-G-A. GRCh37 (hg19) VCF-style: chr10-88820572-G-A.
Other names: c.1070C>T (NM_005271.3, NM_005271.4); c.671C>T, p.Ser224Phe (NM_001318900.1); c.569C>T, p.Ser190Phe (NM_001318901.1, NM_001318902.1, NM_001318904.2 and 2 more transcripts); short protein forms S190F, S224F, S357F.
Identifiers: ClinVar variation 1803144 (VCV001803144.9), dbSNP rs774115156, ClinGen allele CA211213079.
Genomic context (GRCh38, chr10:87,060,815, plus strand): 5'-TCACAGTCGGCCTCCAAGATGCTTCCTTCATAGGGCTTTGCCTTGGGGAAGCCCAGAATG[G>A]ACCCATGTTGCTGCCATTGATTGAAAATCACAATTAATAGCTGCACCAGAGTTTTAAATA-3'
Protein context (NP_005262.1, residues 347-367): ELEDFKLQHG[Ser357Phe]ILGFPKAKPY

ClinVar aggregate classification (germline): Uncertain significance. Review status: criteria provided, multiple submitters, no conflicts (2 of 4 stars). 4 submissions from 4 submitters: Uncertain significance (3). 1 of the submissions does not count toward it. Last evaluated 2022-11-27.

Conditions:
Inborn genetic diseases. Identifiers: MedGen C0950123, MeSH D030342.
GLUD1-related disorder. Also called: GLUD1-related condition.
Hyperinsulinism-hyperammonemia syndrome (HHF6). Identifiers: Orphanet 35878, MedGen C1847555, MONDO:0011717, OMIM 606762.

Allele frequency attached by ClinVar (database versions not stated): TOPMed 0.00002; gnomAD exomes 0.00014.
gnomAD v4.1: 193 of 1,614,174 alleles (0.012%); highest among the groups gnomAD compares: Non-Finnish European, 0.016%; no homozygotes.

Submissions (4):

Ambry Genetics
Classification: Uncertain significance for Inborn genetic diseases. Last evaluated: 2022-11-27. Review status: criteria provided, single submitter. Criteria: Ambry Variant Classification Scheme 2023. Collection method: clinical testing. Allele origin: germline.
Comment: The p.S357F variant (also known as c.1070C>T), located in coding exon 8 of the GLUD1 gene, results from a C to T substitution at nucleotide position 1070. The serine at codon 357 is replaced by phenylalanine, an amino acid with highly dissimilar properties. This amino acid position is conserved. In addition, the in silico prediction for this alteration is inconclusive. Since supporting evidence is limited at this time, the clinical significance of this alteration remains unclear.

Revvity Omics, Revvity
Classification: Uncertain significance for Hyperinsulinism-hyperammonemia syndrome. Last evaluated: 2021-12-16. Review status: criteria provided, single submitter. Criteria: ACMG Guidelines, 2015. Collection method: clinical testing. Allele origin: germline.

Genetics and Molecular Pathology, SA Pathology
Classification: Uncertain significance for Hyperinsulinism-hyperammonemia syndrome. Last evaluated: 2021-05-19. Review status: criteria provided, single submitter. Criteria: ACMG Guidelines, 2015. Collection method: clinical testing. Allele origin: germline. Inheritance: Autosomal dominant inheritance. Affected: yes.

PreventionGenetics, part of Exact Sciences
Classification: Uncertain significance for GLUD1-related condition. Last evaluated: 2023-12-21. Review status: no assertion criteria provided. Collection method: clinical testing. Allele origin: germline. Not counted in ClinVar's aggregate classification.
Comment: The GLUD1 c.1070C>T variant is predicted to result in the amino acid substitution p.Ser357Phe. To our knowledge, this variant has not been reported in the literature. This variant is reported in 0.0026% of alleles in individuals of European (Non-Finnish) descent in gnomAD. At this time, the clinical significance of this variant is uncertain due to the absence of conclusive functional and genetic evidence.